The following is an entry in ClinVar:

NM_000492.4(CFTR):c.1351G>A (p.Gly451Arg)

Genes: CFTR (CF transmembrane conductance regulator; plus strand), CFTR-AS1 (CFTR antisense RNA 1; minus strand). Cytogenetic location: 7q31.2.
Variant type: single nucleotide variant.
Coding change: c.1351G>A on transcript NM_000492.4 (MANE Select); coding-DNA position 1351, G replaced by A.
Protein change: p.Gly451Arg; replaces glycine 451 with arginine.
Molecular consequence: missense variant.
Genome position (GRCh38, 1-based): chr7:117,548,782, G>A. VCF-style: chr7-117548782-G-A. GRCh37 (hg19) VCF-style: chr7-117188836-G-A.
Other names: short protein forms G451R.
Identifiers: ClinVar variation 2682269 (VCV002682269.2), dbSNP rs1359327577, ClinGen allele CA368982262.

ClinVar aggregate classification (germline): Uncertain significance (1 of 4 stars; one submission).

Allele frequency attached by ClinVar (database versions not stated): gnomAD exomes below 0.00001; gnomAD 0.00001.
gnomAD v4.1: 5 of 1,612,262 alleles (0.00031%); highest among the groups gnomAD compares: East Asian, 0.0067%; no homozygotes.

Submission:

Women's Health and Genetics/Laboratory Corporation of America, LabCorp
Classification: Uncertain significance. Last evaluated: 2024-07-29. Review status: criteria provided, single submitter. Criteria: LabCorp Variant Classification Summary - May 2015. Collection method: clinical testing. Allele origin: germline.
Comment: Variant summary: CFTR c.1351G>A (p.Gly451Arg) results in a non-conservative amino acid change located in the ABC transporter-like, ATP-binding domain (IPR003439) of the encoded protein sequence. Five of five in-silico tools predict a damaging effect of the variant on protein function. The variant allele was found at a frequency of 8.2e-06 in 244096 control chromosomes. The available data on variant occurrences in the general population are insufficient to allow any conclusion about variant significance. c.1351G>A has been reported in the literature in individuals affected with chronic pancreatitis or congenital absence of the vas deferens without strong evidence of causality (Zou_2018, Fang_2022, Qu_2023). These report(s) do not provide unequivocal conclusions about association of the variant with Cystic Fibrosis. To our knowledge, no experimental evidence demonstrating an impact on protein function has been reported. The following publications have been ascertained in the context of this evaluation (PMID: 30420730, 36437957, 36604502). No submitters have cited clinical-significance assessments for this variant to ClinVar. Based on the evidence outlined above, the variant was classified as uncertain significance.

Literature cited by the submitters: PubMed 30420730; PubMed 36437957; PubMed 36604502.